The following is an entry in ClinVar:

NM_015570.4(AUTS2):c.3761A>G (p.Lys1254Arg)

Gene: AUTS2 (activator of transcription and developmental regulator AUTS2; plus strand). Cytogenetic location: 7q11.22.
Variant type: single nucleotide variant.
Coding change: c.3761A>G on transcript NM_015570.4 (MANE Select); coding-DNA position 3761, A replaced by G.
Protein change: p.Lys1254Arg; replaces lysine 1254 with arginine.
Molecular consequence: missense variant.
Genome position (GRCh38, 1-based): chr7:70,790,977, A>G. VCF-style: chr7-70790977-A-G. GRCh37 (hg19) VCF-style: chr7-70255963-A-G.
Other names: c.3689A>G, p.Lys1230Arg (NM_001127231.3); short protein forms K1230R, K1254R.
Identifiers: ClinVar variation 3672089 (VCV003672089.2).

ClinVar aggregate classification (germline): Uncertain significance (1 of 4 stars; one submission).

Submission:

Labcorp Genetics (formerly Invitae), Labcorp
Classification: Uncertain significance. Last evaluated: 2024-04-03. Review status: criteria provided, single submitter. Criteria: Invitae Variant Classification Sherloc (09022015). Collection method: clinical testing. Allele origin: germline.
Comment: This sequence change replaces lysine, which is basic and polar, with arginine, which is basic and polar, at codon 1254 of the AUTS2 protein (p.Lys1254Arg). This variant is not present in population databases (gnomAD no frequency). This variant has not been reported in the literature in individuals affected with AUTS2-related conditions. Advanced modeling of protein sequence and biophysical properties (such as structural, functional, and spatial information, amino acid conservation, physicochemical variation, residue mobility, and thermodynamic stability) performed at Invitae indicates that this missense variant is not expected to disrupt AUTS2 protein function with a negative predictive value of 80%. In summary, the available evidence is currently insufficient to determine the role of this variant in disease. Therefore, it has been classified as a Variant of Uncertain Significance.